The following is an entry in ClinVar:

ClinVar aggregate classification (germline): Likely benign (1 of 4 stars; one submission).

Conditions:
TUBA4A-related disorder. Also called: TUBA4A-related condition.

Submission:

PreventionGenetics, part of Exact Sciences
Classification: Likely benign for TUBA4A-related condition. Last evaluated: 2025-02-13. Review status: criteria provided, single submitter. Criteria: ACMG Guidelines, 2015. Collection method: clinical testing. Allele origin: germline.
Comment: This variant is classified as likely benign based on ACMG/AMP sequence variant interpretation guidelines (Richards et al. 2015 PMID: 25741868, with internal and published modifications).

NM_006000.3(TUBA4A):c.594A>C (p.Ser198=)

Gene: TUBA4A (tubulin alpha 4a; minus strand). Cytogenetic location: 2q35.
Variant type: single nucleotide variant.
Coding change: c.594A>C on transcript NM_006000.3 (MANE Select); coding-DNA position 594, A replaced by C.
Protein change: p.Ser198=; no amino-acid change (serine 198 retained).
Molecular consequence: synonymous variant.
Genome position (GRCh38, 1-based): chr2:219,251,105, T>G on the plus strand (A>C on the coding strand, the complement: TUBA4A is on the minus strand). VCF-style: chr2-219251105-T-G. GRCh37 (hg19) VCF-style: chr2-220115827-T-G.
Other names: c.549A>C, p.Ser183= (NM_001278552.2).
Identifiers: ClinVar variation 4989077 (VCV004989077.1).